The following continues an entry in ClinVar:

NM_003000.3(SDHB):c.725G>A (p.Arg242His)

Gene: SDHB. ClinVar aggregate classification (germline): Pathogenic/Likely pathogenic. Pathogenic (20); Likely pathogenic (2).

Submissions 14 to 25 of 25:

Institute for Clinical Genetics, University Hospital TU Dresden, University Hospital TU Dresden
Classification: Likely pathogenic. Last evaluated: 2021-11-03. Review status: criteria provided, single submitter. Criteria: ACMG Guidelines, 2015. Collection method: clinical testing. Allele origin: germline.

MGZ Medical Genetics Center
Classification: Pathogenic for Pheochromocytoma/paraganglioma syndrome 4. Last evaluated: 2021-10-05. Review status: criteria provided, single submitter. Criteria: ACMG Guidelines, 2015. Collection method: clinical testing. Allele origin: germline. Affected: yes. Observed: 1 variant allele.
Comment: ACMG criteria applied: PS3, PS4, PM2_SUP, PP2, PP3

Baylor Genetics
Classification: Pathogenic for Gastrointestinal stromal tumor. Last evaluated: 2021-08-20. Review status: criteria provided, single submitter. Criteria: ACMG Guidelines, 2015. Collection method: clinical testing. Allele origin: unknown.

Sema4
Classification: Pathogenic for Hereditary cancer-predisposing syndrome. Last evaluated: 2021-07-06. Review status: criteria provided, single submitter. Criteria: Sema4 Curation Guidelines. Collection method: curation. Allele origin: germline.
Comment: The SDHB c.725G>A (p.R242H) variant has been reported in several individuals with pheochromocytoma and paragangliomas (PMID: 12000816, 12213855, 20208144, 22270996, 29386252, 29951630). It was also reported in a patient with gastrointestinal stromal tumor and in a case with clinical features of mitochondrial encephalomyopathy (PMID: 21173220, 25736212). The variant was observed in 3/251440 chromosomes in the large and broad cohorts of the Genome Aggregation Database (PMID: 32461654). The variant has been reported in ClinVar (Variation ID 12781). In silico tools suggest the impact of the variant on protein function is deleterious, which is supported by functional studies that demonstrated the variant resulted in decreased enzymatic activity of the SDH complex and in elevated ubiquitin-binding indicating decreased protein stability (PMID: 22835832, 25736212, 25972245). Based on the current evidence available, this variant is interpreted as pathogenic.

CeGaT Center for Human Genetics Tuebingen
Classification: Pathogenic. Last evaluated: 2021-05-01. Review status: criteria provided, single submitter. Criteria: CeGaT Center For Human Genetics Tuebingen Variant Classification Criteria Version 2. Collection method: clinical testing. Allele origin: germline. Affected: yes. Observed: 2 variant alleles.

Genetics and Molecular Pathology, SA Pathology
Classification: Pathogenic for Hereditary pheochromocytoma and paraganglioma. Last evaluated: 2020-11-10. Review status: criteria provided, single submitter. Criteria: ACMG Guidelines, 2015. Collection method: clinical testing. Allele origin: germline. Inheritance: Autosomal dominant inheritance. Affected: yes.
Comment: The SDHB c.725G>A variant is a single nucleotide substitution from a guanine to an adenonine at position 725 which is predicted to change the arginine at position 242 in the protein to histidine. The variant has been reported multiple times in the literature in association with disease (PMID: 12000816, 12213855, 15328326, 28490599) (PS1). Functional studies demonstrate that the variant has a detrimental effect on protein function (PMID: 25972245, 22835832) (PS3). The variant is listed in dbSNP (rs74315368) and is rare in population databases (gnomAD 3 het/251,440 total, 0 hom). The variant is described in ClinVar as pathogenic (ClinVar ID: 27820) and HGMD (2020.3) as disease causing (PP5). Computational predictions support a deleterious effect on the gene or gene product.

Centre for Mendelian Genomics, University Medical Centre Ljubljana
Classification: Pathogenic for Pheochromocytoma/paraganglioma syndrome 4. Last evaluated: 2019-04-17. Review status: criteria provided, single submitter. Criteria: ACMG Guidelines, 2015. Collection method: clinical testing. Allele origin: unknown. Affected: yes.
Comment: This variant was classified as: Pathogenic. The following ACMG criteria were applied in classifying this variant: PS1,PS3,PP3.

Quest Diagnostics Nichols Institute San Juan Capistrano
Classification: Pathogenic. Last evaluated: 2013-06-12. Review status: criteria provided, single submitter. Criteria: Quest Diagnostics criteria. Collection method: clinical testing. Allele origin: unknown.
Comment: The frequency of this variant in the general population, 0.000012 (3/251440 chromosomes), is consistent with pathogenicity. In the published literature, the variant has been reported in multiple individuals affected with PGL-PCC syndrome (PMID: 12000816 (2002), 12213855 (2002), 18551016 (2008), 19351833 (2009), 29386252 (2018), 34439168 (2021), 34906457 (2022)). Functional studies observed decreased stability of the SDHB protein (PMID: 22835832 (2012)) and a severe decrease in succinate dehydrogenase activity (PMID: 25736212 (2015), 25972245 (2015)). Based on the available information, this variant is classified as pathogenic.

Juno Genomics, Hangzhou Juno Genomics, Inc
Classification: Pathogenic for Pheochromocytoma/paraganglioma syndrome 4. Review status: criteria provided, single submitter. Criteria: ACMG Guidelines, 2015. Collection method: clinical testing. Allele origin: germline.
Comment: Absent from controls (or at extremely low frequency if recessive) in Genome Aggregation Database.;The prevalence of the variant in affected individuals is significantly increased compared to the prevalence in controls.;Patient's phenotype or family history is highly specific for a disease with a single genetic etiology.;Well-established in vitro or in vivo functional studies supportive of a damaging effect on the gene or gene product.;Novel missense change at an amino acid residue where a different missense change determined to be pathogenic has been seen before.

OMIM
Classification: Pathogenic for PHEOCHROMOCYTOMA/PARAGANGLIOMA SYNDROME 4. Last evaluated: 2011-01-04. Review status: no assertion criteria provided. Collection method: literature only. Allele origin: unknown. Not counted in ClinVar's aggregate classification.

OMIM
Classification: Pathogenic for GASTROINTESTINAL STROMAL TUMOR. Last evaluated: 2011-01-04. Review status: no assertion criteria provided. Collection method: literature only. Allele origin: unknown. Not counted in ClinVar's aggregate classification.

Section on Medical Neuroendocrinolgy, National Institutes of Health
Classification: Pathogenic for Hereditary pheochromocytoma and paraganglioma. Review status: no assertion criteria provided. Collection method: research. Allele origin: germline. Affected: yes. Not counted in ClinVar's aggregate classification.

Literature cited by the submitters: PubMed 12000816 (cited by 9 submitters); PubMed 12213855 (cited by 8 submitters); PubMed 17102084 (cited by Labcorp Genetics (formerly Invitae), Labcorp and Dasa); PubMed 20208144 (cited by 5 submitters); PubMed 21173220 (cited by 5 submitters); PubMed 22270996 (cited by 5 submitters); PubMed 24276837 (cited by 5 submitters); PubMed 25736212 (cited by 7 submitters); PubMed 22835832 (cited by 6 submitters); PubMed 25972245 (cited by 8 submitters); PubMed 15235042 (cited by Ambry Genetics); PubMed 15328326 (cited by 5 submitters); PubMed 18551016 (cited by 4 submitters); PubMed 19075037 (cited by 3 submitters); PubMed 19351833 (cited by 3 submitters); PubMed 19454582 (cited by 3 submitters); PubMed 22517554 (cited by Ambry Genetics); PubMed 23175444 (cited by Ambry Genetics); PubMed 23666964 (cited by 3 submitters); PubMed 23902947 (cited by 3 submitters); PubMed 25025441 (cited by Ambry Genetics and Quest Diagnostics Nichols Institute San Juan Capistrano); PubMed 25047027 (cited by 3 submitters); PubMed 25873086 (cited by 3 submitters); PubMed 28490599 (cited by 4 submitters); PubMed 29386252 (cited by 3 submitters); PubMed 29951630 (cited by 3 submitters); PubMed 28738844 (cited by All of Us Research Program, National Institutes of Health); PubMed 29925701 (cited by All of Us Research Program, National Institutes of Health and Quest Diagnostics Nichols Institute San Juan Capistrano); PubMed 32661476 (cited by All of Us Research Program, National Institutes of Health); PubMed 33362715 (cited by All of Us Research Program, National Institutes of Health and Myriad Genetics, Inc.); PubMed 33748650 (cited by All of Us Research Program, National Institutes of Health and Victorian Clinical Genetics Services, Murdoch Childrens Research Institute); PubMed 34906457 (cited by All of Us Research Program, National Institutes of Health and Quest Diagnostics Nichols Institute San Juan Capistrano); PubMed 36597280 (cited by All of Us Research Program, National Institutes of Health); PubMed 30050099 (cited by Myriad Genetics, Inc.); PubMed 32462735 (cited by Myriad Genetics, Inc.); PubMed 34439168 (cited by Myriad Genetics, Inc. and Quest Diagnostics Nichols Institute San Juan Capistrano); PubMed 17652212 (cited by Women's Health and Genetics/Laboratory Corporation of America, LabCorp and Quest Diagnostics Nichols Institute San Juan Capistrano); PubMed 16317055 (cited by Women's Health and Genetics/Laboratory Corporation of America, LabCorp); PubMed 32460727 (cited by Victorian Clinical Genetics Services, Murdoch Childrens Research Institute and Quest Diagnostics Nichols Institute San Juan Capistrano); PubMed 19393419 (cited by Quest Diagnostics Nichols Institute San Juan Capistrano); PubMed 22293219 (cited by Quest Diagnostics Nichols Institute San Juan Capistrano); PubMed 35546442 (cited by Quest Diagnostics Nichols Institute San Juan Capistrano); PubMed 25720320 (cited by Quest Diagnostics Nichols Institute San Juan Capistrano); PubMed 34069252 (cited by Quest Diagnostics Nichols Institute San Juan Capistrano); PubMed 34750850 (cited by Quest Diagnostics Nichols Institute San Juan Capistrano).